The following is an entry in ClinVar:

NM_000219.6(KCNE1):c.207G>T (p.Lys69Asn)

Gene: KCNE1 (potassium voltage-gated channel subfamily E regulatory subunit 1; minus strand). Cytogenetic location: 21q22.12.
Variant type: single nucleotide variant.
Coding change: c.207G>T on transcript NM_000219.6 (MANE Select); coding-DNA position 207, G replaced by T.
Protein change: p.Lys69Asn; replaces lysine 69 with asparagine.
Molecular consequence: missense variant.
Genome position (GRCh38, 1-based): chr21:34,449,428, C>A on the plus strand (G>T on the coding strand, the complement: KCNE1 is on the minus strand). VCF-style: chr21-34449428-C-A. GRCh37 (hg19) VCF-style: chr21-35821726-C-A.
Other names: c.207G>T, p.Lys69Asn (NM_001127668.4, NM_001127669.4, NM_001127670.4 and 4 more transcripts); short protein forms K69N.
Identifiers: ClinVar variation 3374331 (VCV003374331.2).

Conditions:
Long QT syndrome 5 (LQT5). Identifiers: Orphanet 101016, Orphanet 768, MedGen C1867904, MONDO:0013372, OMIM 613695.

Submission:

Roden Lab, Vanderbilt University Medical Center
No classification provided (evidence only). Condition: Long QT syndrome 5. Review status: no classification provided. Collection method: in vitro. Allele origin: not applicable. Functional consequence: Effect on ion channel function.
ClinVar note: "not provided" was previously submitted as the classification for the variant. However, the classification appeared to be based only on an observation of functional data so it was converted to no classification on 2025-07-30.